The following is an entry in ClinVar:

NM_173086.5(KRT6C):c.1020A>T (p.Gln340His)

Gene: KRT6C (keratin 6C; minus strand). Cytogenetic location: 12q13.13.
Variant type: single nucleotide variant.
Coding change: c.1020A>T on transcript NM_173086.5 (MANE Select); coding-DNA position 1020, A replaced by T.
Protein change: p.Gln340His; replaces glutamine 340 with histidine.
Molecular consequence: missense variant.
Genome position (GRCh38, 1-based): chr12:52,471,189, T>A on the plus strand (A>T on the coding strand, the complement: KRT6C is on the minus strand). VCF-style: chr12-52471189-T-A. GRCh37 (hg19) VCF-style: chr12-52864973-T-A.
Other names: short protein forms Q340H.
Identifiers: ClinVar variation 3116583 (VCV003116583.4), dbSNP rs575947038, ClinGen allele CA6581299.

ClinVar aggregate classification (germline): Conflicting classifications of pathogenicity. Review status: criteria provided, conflicting classifications (1 of 4 stars). 3 submissions from 3 submitters: Uncertain significance (1); Likely benign (2). Last evaluated 2026-08-01.

Conditions:
Inborn genetic diseases. Identifiers: MedGen C0950123, MeSH D030342.

Allele frequency attached by ClinVar (database versions not stated): TOPMed 0.00007; gnomAD exomes 0.00008; gnomAD 0.00010; 1000 Genomes Project 30x 0.00016; ExAC 0.00016; 1000 Genomes Project 0.00020.
gnomAD v4.1: 135 of 1,614,150 alleles (0.0084%); highest among the groups gnomAD compares: East Asian, 0.096%; 1 homozygote.

Submissions (3):

CeGaT Center for Human Genetics Tuebingen
Classification: Likely benign. Last evaluated: 2026-08-01. Review status: criteria provided, single submitter. Criteria: CeGaT Center For Human Genetics Tuebingen Variant Classification Criteria Version 2. Collection method: clinical testing. Allele origin: germline. Affected: yes. Observed: 1 variant allele.
Comment: KRT6C: BS1

Labcorp Genetics (formerly Invitae), Labcorp
Classification: Likely benign. Last evaluated: 2025-10-28. Review status: criteria provided, single submitter. Criteria: Invitae Variant Classification Sherloc (09022015). Collection method: clinical testing. Allele origin: germline.

Ambry Genetics
Classification: Uncertain significance for Inborn genetic diseases. Last evaluated: 2024-03-29. Review status: criteria provided, single submitter. Criteria: Ambry Variant Classification Scheme 2023. Collection method: clinical testing. Allele origin: germline.